The following is an entry in ClinVar:

ClinVar aggregate classification (germline): Pathogenic. Review status: criteria provided, multiple submitters, no conflicts (2 of 4 stars). 2 submissions from 2 submitters: Pathogenic (2). Last evaluated 2023-08-07.

Conditions:
Glycogen storage disease type III (GSD3). Also called: FORBES DISEASE; Cori disease. Identifiers: Orphanet 366, MedGen C0017922, MONDO:0009291, OMIM 232400.

Submissions (2):

Mayo Clinic Laboratories, Mayo Clinic
Classification: Pathogenic. Last evaluated: 2023-08-07. Review status: criteria provided, single submitter. Criteria: ACMG Guidelines, 2015. Collection method: clinical testing. Allele origin: germline.
Comment: PM1, PS4_moderate, PVS1

Molecular Diagnostics Laboratory, M Health Fairview: University of Minnesota
Classification: Pathogenic for Glycogen storage disease type III. Last evaluated: 2019-05-28. Review status: criteria provided, single submitter. Criteria: ACMG Guidelines, 2015. Collection method: clinical testing. Allele origin: germline. Affected: yes. Observed: 1 variant allele.

Literature cited by the submitters: PubMed 19299494 (cited by Mayo Clinic Laboratories, Mayo Clinic); PubMed 19754354 (cited by Mayo Clinic Laboratories, Mayo Clinic); PubMed 26984562 (cited by Mayo Clinic Laboratories, Mayo Clinic and Molecular Diagnostics Laboratory, M Health Fairview: University of Minnesota); PubMed 34216551 (cited by Mayo Clinic Laboratories, Mayo Clinic).

NM_000642.3(AGL):c.3481_3589-407del

Gene: AGL (amylo-alpha-1,6-glucosidase and 4-alpha-glucanotransferase; plus strand). Cytogenetic location: 1p21.2.
Variant type: Deletion.
Coding change: c.3481_3589-407del on transcript NM_000642.3 (MANE Select); coding-DNA position 3481 through 407 bases into the intron before coding-DNA position 3589, 1,523 bases deleted.
Molecular consequence: splice donor variant.
Genome position (GRCh38, 1-based): chr1:99,900,754-99,902,276, 1,523 bases deleted. GRCh37 (hg19): chr1:100,366,310-100,367,832.
Other names: ?; c.3481_3589-407del (NM_000643.3, NM_000644.3, NM_001425325.1 and 1 more transcripts); c.3433_3541-407del (NM_000646.3); c.3460_3568-407del (NM_001425326.1); c.3280_3388-407del (NM_001425327.1); c.3277_3385-407del (NM_001425328.1); c.3142_3250-407del (NM_001425329.1); c.3103_3211-407del (NM_001425332.1).
Identifiers: ClinVar variation 804334 (VCV000804334.2), ClinGen allele CA915941351.